The following is an entry in ClinVar:

ClinVar aggregate classification (germline): Uncertain significance (1 of 4 stars; one submission).

Allele frequency attached by ClinVar (database versions not stated): gnomAD exomes below 0.00001.
gnomAD v4.1: 1 of 1,607,882 alleles (0.000062%); highest among the groups gnomAD compares: Non-Finnish European, 0.000085%; no homozygotes.

Submission:

Labcorp Genetics (formerly Invitae), Labcorp
Classification: Uncertain significance. Last evaluated: 2023-06-27. Review status: criteria provided, single submitter. Criteria: Invitae Variant Classification Sherloc (09022015). Collection method: clinical testing. Allele origin: germline.
Comment: In summary, the available evidence is currently insufficient to determine the role of this variant in disease. Therefore, it has been classified as a Variant of Uncertain Significance. An algorithm developed to predict the effect of missense changes on protein structure and function (PolyPhen-2) suggests that this variant is likely to be tolerated. This variant has not been reported in the literature in individuals affected with ARHGEF1-related conditions. This variant is not present in population databases (gnomAD no frequency). This sequence change replaces glutamic acid, which is acidic and polar, with aspartic acid, which is acidic and polar, at codon 191 of the ARHGEF1 protein (p.Glu191Asp).

NM_004706.4(ARHGEF1):c.528G>C (p.Glu176Asp)

Gene: ARHGEF1 (Rho guanine nucleotide exchange factor 1; plus strand). Cytogenetic location: 19q13.2.
Variant type: single nucleotide variant.
Coding change: c.528G>C on transcript NM_004706.4 (MANE Select); coding-DNA position 528, G replaced by C.
Protein change: p.Glu176Asp; replaces glutamic acid 176 with aspartic acid.
Molecular consequence: missense variant. On other transcripts: non-coding transcript variant (2).
Genome position (GRCh38, 1-based): chr19:41,892,763, G>C. VCF-style: chr19-41892763-G-C. GRCh37 (hg19) VCF-style: chr19-42396834-G-C.
Other names: c.528G>C, p.Glu176Asp (NM_001396000.1, NM_001396003.1, NM_001396006.1); c.429G>C, p.Glu143Asp (NM_001396002.1, NM_001396004.1, NM_198977.2); c.573G>C, p.Glu191Asp (NM_199002.2); short protein forms E176D, E143D, E191D.
Identifiers: ClinVar variation 2729060 (VCV002729060.3), dbSNP rs1221427865, ClinGen allele CA406048301.